The following is an entry in ClinVar:

ClinVar aggregate classification (germline): Likely pathogenic (1 of 4 stars; one submission).

Conditions:
Acatalasia. Also called: ACATALASEMIA, HUNGARIAN TYPE; CATALASE DEFICIENCY. Identifiers: Orphanet 926, MedGen C0268419, MONDO:0013571, OMIM 614097.

gnomAD v4.1: 21 of 1,614,014 alleles (0.0013%); highest among the groups gnomAD compares: East Asian, 0.011%; no homozygotes.

Submission:

First Genomix Gene Laboratory, Genetic Diagnostics Department
Classification: Likely pathogenic for Acatalasia. Last evaluated: 2025-03-15. Review status: criteria provided, single submitter. Criteria: ACMG Guidelines, 2015. Collection method: clinical testing. Allele origin: germline. Inheritance: Autosomal recessive inheritance. Affected: no. Observed: 1 variant allele.

NM_001752.4(CAT):c.196C>T (p.Arg66Ter)

Gene: CAT (catalase; plus strand). Cytogenetic location: 11p13.
Variant type: single nucleotide variant.
Coding change: c.196C>T on transcript NM_001752.4 (MANE Select); coding-DNA position 196, C replaced by T.
Protein change: p.Arg66Ter; replaces arginine 66 with a stop codon.
Molecular consequence: nonsense.
Genome position (GRCh38, 1-based): chr11:34,449,321, C>T. VCF-style: chr11-34449321-C-T. GRCh37 (hg19) VCF-style: chr11-34470868-C-T.
Other names: short protein forms R66*.
Identifiers: ClinVar variation 4845759 (VCV004845759.1).